The following is an entry in ClinVar:

ClinVar aggregate classification (germline): Uncertain significance (1 of 4 stars; one submission).

Conditions:
Werner syndrome (WRN). Identifiers: Orphanet 902, MedGen C0043119, MONDO:0010196, OMIM 277700.

Submission:

Labcorp Genetics (formerly Invitae), Labcorp
Classification: Uncertain significance for Werner syndrome. Last evaluated: 2020-11-11. Review status: criteria provided, single submitter. Criteria: Invitae Variant Classification Sherloc (09022015). Collection method: clinical testing. Allele origin: germline.
Comment: In summary, the available evidence is currently insufficient to determine the role of this variant in disease. Therefore, it has been classified as a Variant of Uncertain Significance. Algorithms developed to predict the effect of missense changes on protein structure and function are either unavailable or do not agree on the potential impact of this missense change (SIFT: "Not Available"; PolyPhen-2: "Probably Damaging"; Align-GVGD: "Not Available"). This variant has not been reported in the literature in individuals with WRN-related conditions. This variant is not present in population databases (ExAC no frequency). This sequence change replaces lysine with arginine at codon 182 of the WRN protein (p.Lys182Arg). The lysine residue is highly conserved and there is a small physicochemical difference between lysine and arginine.

NM_000553.6(WRN):c.545A>G (p.Lys182Arg)

Gene: WRN (WRN RecQ like helicase; plus strand). Cytogenetic location: 8p12.
Variant type: single nucleotide variant.
Coding change: c.545A>G on transcript NM_000553.6 (MANE Select); coding-DNA position 545, A replaced by G.
Protein change: p.Lys182Arg; replaces lysine 182 with arginine.
Molecular consequence: missense variant.
Genome position (GRCh38, 1-based): chr8:31,067,073, A>G. VCF-style: chr8-31067073-A-G. GRCh37 (hg19) VCF-style: chr8-30924589-A-G.
Other names: short protein forms K182R.
Identifiers: ClinVar variation 1483341 (VCV001483341.6), dbSNP rs2130049458, ClinGen allele CA370915989.